The following is an entry in ClinVar:

ClinVar aggregate classification (germline): Likely benign. Review status: criteria provided, single submitter (1 of 4 stars). 2 submissions from 2 submitters: Likely benign (1). 1 of the submissions does not count toward it. Last evaluated 2025-01-05.

Conditions:
PEX1-related disorder. Also called: PEX1-related condition.
Zellweger spectrum disorders (ZS). Also called: Zellweger Spectrum Disorder (ZSD); Zellweger syndrome; Zellweger Spectrum Disorder; Zellweger Spectrum. Identifiers: Orphanet 912, MedGen C0043459, MONDO:0019609.

Allele frequency attached by ClinVar (database versions not stated): TOPMed below 0.00001.

Submissions (2):

Labcorp Genetics (formerly Invitae), Labcorp
Classification: Likely benign for Zellweger spectrum disorders. Last evaluated: 2025-01-05. Review status: criteria provided, single submitter. Criteria: Invitae Variant Classification Sherloc (09022015). Collection method: clinical testing. Allele origin: germline.

PreventionGenetics, part of Exact Sciences
Classification: Likely benign for PEX1-related condition. Last evaluated: 2019-11-07. Review status: no assertion criteria provided. Collection method: clinical testing. Allele origin: germline. Not counted in ClinVar's aggregate classification.
Comment: This variant is classified as likely benign based on ACMG/AMP sequence variant interpretation guidelines (Richards et al. 2015 PMID: 25741868, with internal and published modifications).

NM_000466.3(PEX1):c.472+10A>G

Gene: PEX1 (peroxisomal biogenesis factor 1; minus strand). Cytogenetic location: 7q21.2.
Variant type: single nucleotide variant.
Coding change: c.472+10A>G on transcript NM_000466.3 (MANE Select); 10 bases into the intron after coding-DNA position 472, A replaced by G.
Molecular consequence: intron variant.
Genome position (GRCh38, 1-based): chr7:92,518,131, T>C on the plus strand (A>G on the coding strand, the complement: PEX1 is on the minus strand). VCF-style: chr7-92518131-T-C. GRCh37 (hg19) VCF-style: chr7-92147445-T-C.
Other names: c.472+10A>G (NM_000466.2, NM_001282677.2); c.-153+10A>G (NM_001282678.2).
Identifiers: ClinVar variation 1112405 (VCV001112405.11), dbSNP rs1792887415, ClinGen allele CA1725948418.